The following is an entry in ClinVar:

ClinVar aggregate classification (germline): Uncertain significance. Review status: criteria provided, multiple submitters, no conflicts (2 of 4 stars). 2 submissions from 2 submitters: Uncertain significance (2). Last evaluated 2024-12-31.

Conditions:
SCLT1-related disorder. Also called: SCLT1-related condition.

gnomAD v4.1: 1 of 1,596,466 alleles (0.000063%); highest among the groups gnomAD compares: Admixed American, 0.0017%; no homozygotes.

Submissions (2):

PreventionGenetics, part of Exact Sciences
Classification: Uncertain significance for SCLT1-related condition. Last evaluated: 2024-12-31. Review status: criteria provided, single submitter. Criteria: ACMG Guidelines, 2015. Collection method: clinical testing. Allele origin: germline.
Comment: The SCLT1 c.848G>A variant is predicted to result in the amino acid substitution p.Ser283Asn. To our knowledge, this variant has not been reported in the literature. This variant is reported in 0.0029% of alleles in individuals of Latino descent in gnomAD. At this time, the clinical significance of this variant is uncertain due to the absence of conclusive functional and genetic evidence.

Labcorp Genetics (formerly Invitae), Labcorp
Classification: Uncertain significance. Last evaluated: 2022-08-16. Review status: criteria provided, single submitter. Criteria: Invitae Variant Classification Sherloc (09022015). Collection method: clinical testing. Allele origin: germline.
Comment: In summary, the available evidence is currently insufficient to determine the role of this variant in disease. Therefore, it has been classified as a Variant of Uncertain Significance. Algorithms developed to predict the effect of missense changes on protein structure and function output the following: SIFT: "Tolerated"; PolyPhen-2: "Benign"; Align-GVGD: "Class C0". The asparagine amino acid residue is found in multiple mammalian species, which suggests that this missense change does not adversely affect protein function. This variant has not been reported in the literature in individuals affected with SCLT1-related conditions. This variant is present in population databases (no rsID available, gnomAD 0.003%). This sequence change replaces serine, which is neutral and polar, with asparagine, which is neutral and polar, at codon 283 of the SCLT1 protein (p.Ser283Asn).

NM_144643.4(SCLT1):c.848G>A (p.Ser283Asn)

Gene: SCLT1 (sodium channel and clathrin linker 1; minus strand). Cytogenetic location: 4q28.2.
Variant type: single nucleotide variant.
Coding change: c.848G>A on transcript NM_144643.4 (MANE Select); coding-DNA position 848, G replaced by A.
Protein change: p.Ser283Asn; replaces serine 283 with asparagine.
Molecular consequence: missense variant.
Genome position (GRCh38, 1-based): chr4:128,965,248, C>T on the plus strand (G>A on the coding strand, the complement: SCLT1 is on the minus strand). VCF-style: chr4-128965248-C-T. GRCh37 (hg19) VCF-style: chr4-129886403-C-T.
Other names: c.848G>A (NM_144643.3); c.848G>A, p.Ser283Asn (NM_001410807.1); short protein forms S283N.
Identifiers: ClinVar variation 2174915 (VCV002174915.5), dbSNP rs1275301250, ClinGen allele CA358189038.